The following is an entry in ClinVar:

ClinVar aggregate classification (germline): Likely pathogenic (1 of 4 stars; one submission).

Submission:

Labcorp Genetics (formerly Invitae), Labcorp
Classification: Likely pathogenic. Last evaluated: 2023-02-01. Review status: criteria provided, single submitter. Criteria: Invitae Variant Classification Sherloc (09022015). Collection method: clinical testing. Allele origin: germline.
Comment: In summary, the currently available evidence indicates that the variant is pathogenic, but additional data are needed to prove that conclusively. Therefore, this variant has been classified as Likely Pathogenic. This variant has been observed in individual(s) with surfactant deficiency (PMID: 10712351). This variant is not present in population databases (gnomAD no frequency). This sequence change falls in intron 3 of the SFTPB gene. It does not directly change the encoded amino acid sequence of the SFTPB protein. RNA analysis indicates that this variant induces altered splicing and may result in an absent or disrupted protein product. Variants that disrupt the consensus splice site are a relatively common cause of aberrant splicing (PMID: 17576681, 9536098). Studies have shown that this variant results in skipping of exon 2 and introduces a premature termination codon (PMID: 10712351). The resulting mRNA is expected to undergo nonsense-mediated decay. This variant is also known as c.209+4A>G.

Literature cited by the submitters: PubMed 10712351; PubMed 17576681; PubMed 9536098.

NM_000542.5(SFTPB):c.195+4A>G

Gene: SFTPB (surfactant protein B; minus strand). Cytogenetic location: 2p11.2.
Variant type: single nucleotide variant.
Coding change: c.195+4A>G on transcript NM_000542.5 (MANE Select); 4 bases into the intron after coding-DNA position 195, A replaced by G.
Molecular consequence: intron variant.
Genome position (GRCh38, 1-based): chr2:85,667,675, T>C on the plus strand (A>G on the coding strand, the complement: SFTPB is on the minus strand). VCF-style: chr2-85667675-T-C. GRCh37 (hg19) VCF-style: chr2-85894798-T-C.
Other names: c.195+4A>G (NM_198843.3, NM_001367281.1).
Identifiers: ClinVar variation 2734240 (VCV002734240.3), dbSNP rs2466706806, ClinGen allele CA2586969647.